The following is an entry in ClinVar:

ClinVar aggregate classification (germline): Uncertain significance. Review status: criteria provided, multiple submitters, no conflicts (2 of 4 stars). 3 submissions from 3 submitters: Uncertain significance (3). Last evaluated 2025-08-23.

Conditions:
Cone-rod dystrophy 13 (CORD13). Identifiers: Orphanet 1872, MedGen C2750720, MONDO:0011987, OMIM 608194.
Leber congenital amaurosis 6 (LCA6). Identifiers: Orphanet 65, MedGen C1854260, MONDO:0013446, OMIM 613826.
Inborn genetic diseases. Identifiers: MedGen C0950123, MeSH D030342.

Allele frequency attached by ClinVar (database versions not stated): gnomAD below 0.00001 and 0.00004; TOPMed 0.00001; 1000 Genomes Project 30x 0.00016; gnomAD exomes 0.00018; 1000 Genomes Project 0.00020; ExAC 0.00036.
gnomAD v4.1: 106 of 1,555,830 alleles (0.0068%); highest among the groups gnomAD compares: South Asian, 0.11%; no homozygotes.

Submissions (3):

Ambry Genetics
Classification: Uncertain significance for Inborn genetic diseases. Last evaluated: 2025-08-23. Review status: criteria provided, single submitter. Criteria: Ambry Variant Classification Scheme 2023. Collection method: clinical testing. Allele origin: germline.

Labcorp Genetics (formerly Invitae), Labcorp
Classification: Uncertain significance for Leber congenital amaurosis 6; Cone-rod dystrophy 13. Last evaluated: 2024-05-17. Review status: criteria provided, single submitter. Criteria: Invitae Variant Classification Sherloc (09022015). Collection method: clinical testing. Allele origin: germline.
Comment: This sequence change replaces glutamic acid, which is acidic and polar, with lysine, which is basic and polar, at codon 299 of the RPGRIP1 protein (p.Glu299Lys). This variant is present in population databases (rs550626567, gnomAD 0.1%). This variant has not been reported in the literature in individuals affected with RPGRIP1-related conditions. ClinVar contains an entry for this variant (Variation ID: 1022301). Advanced modeling of protein sequence and biophysical properties (such as structural, functional, and spatial information, amino acid conservation, physicochemical variation, residue mobility, and thermodynamic stability) performed at Invitae indicates that this missense variant is expected to disrupt RPGRIP1 protein function with a positive predictive value of 80%. In summary, the available evidence is currently insufficient to determine the role of this variant in disease. Therefore, it has been classified as a Variant of Uncertain Significance.

Blueprint Genetics
Classification: Uncertain significance. Last evaluated: 2023-12-29. Review status: criteria provided, single submitter. Criteria: ACMG Guidelines, 2015. Collection method: clinical testing. Allele origin: germline.

NM_020366.4(RPGRIP1):c.895G>A (p.Glu299Lys)

Gene: RPGRIP1 (RPGR interacting protein 1; plus strand). Cytogenetic location: 14q11.2.
Variant type: single nucleotide variant.
Coding change: c.895G>A on transcript NM_020366.4 (MANE Select); coding-DNA position 895, G replaced by A.
Protein change: p.Glu299Lys; replaces glutamic acid 299 with lysine.
Molecular consequence: missense variant.
Genome position (GRCh38, 1-based): chr14:21,307,825, G>A. VCF-style: chr14-21307825-G-A. GRCh37 (hg19) VCF-style: chr14-21775984-G-A.
Other names: c.895G>A (NM_020366.3); short protein forms E299K.
Identifiers: ClinVar variation 1022301 (VCV001022301.9), dbSNP rs550626567, ClinGen allele CA7088769.